The following is an entry in ClinVar:

NM_001122681.2(SH3BP2):c.1141G>A (p.Val381Met)

Gene: SH3BP2 (SH3 domain binding protein 2; plus strand). Cytogenetic location: 4p16.3.
Variant type: single nucleotide variant.
Coding change: c.1141G>A on transcript NM_001122681.2 (MANE Select); coding-DNA position 1141, G replaced by A.
Protein change: p.Val381Met; replaces valine 381 with methionine.
Molecular consequence: missense variant.
Genome position (GRCh38, 1-based): chr4:2,830,047, G>A. VCF-style: chr4-2830047-G-A. GRCh37 (hg19) VCF-style: chr4-2831774-G-A.
Other names: c.1141G>A, p.Val381Met (LRG_1334t1, NM_003023.4); c.1225G>A, p.Val409Met (LRG_1334t2, NM_001145855.2); c.1312G>A, p.Val438Met (NM_001145856.2); short protein forms V381M, V409M, V438M.
Identifiers: ClinVar variation 348584 (VCV000348584.16), dbSNP rs201966956, ClinGen allele CA2819397.

ClinVar aggregate classification (germline): Conflicting classifications of pathogenicity. Review status: criteria provided, conflicting classifications (1 of 4 stars). 4 submissions from 4 submitters: Uncertain significance (1); Benign (1); Likely benign (2). Last evaluated 2026-01-28.

Conditions:
Inborn genetic diseases. Identifiers: MedGen C0950123, MeSH D030342.
Fibrous dysplasia of jaw (CRBM). Also called: Cherubism. Identifiers: Orphanet 184, MedGen C0008029, MONDO:0007315, OMIM 118400.

Allele frequency attached by ClinVar (database versions not stated): ESP Exome Variant Server 0.00016; TOPMed 0.00020; gnomAD 0.00023 and 0.00025; gnomAD exomes 0.00024; ExAC 0.00025.
gnomAD v4.1: 373 of 1,612,120 alleles (0.023%); highest among the groups gnomAD compares: Non-Finnish European, 0.028%; no homozygotes.

Submissions (4):

Labcorp Genetics (formerly Invitae), Labcorp
Classification: Likely benign for Fibrous dysplasia of jaw. Last evaluated: 2026-01-28. Review status: criteria provided, single submitter. Criteria: Invitae Variant Classification Sherloc (09022015). Collection method: clinical testing. Allele origin: germline.

Blueprint Genetics
Classification: Likely benign. Last evaluated: 2024-11-26. Review status: criteria provided, single submitter. Criteria: ACMG Guidelines, 2015. Collection method: clinical testing. Allele origin: germline.

Ambry Genetics
Classification: Uncertain significance for Inborn genetic diseases. Last evaluated: 2021-08-02. Review status: criteria provided, single submitter. Criteria: Ambry Variant Classification Scheme 2023. Collection method: clinical testing. Allele origin: germline.

Illumina Laboratory Services, Illumina
Classification: Benign for Fibrous dysplasia of jaw. Last evaluated: 2018-01-13. Review status: criteria provided, single submitter. Criteria: ICSL Variant Classification Criteria 13 December 2019. Collection method: clinical testing. Allele origin: germline.
Comment: This variant was observed in the ICSL laboratory as part of a predisposition screen in an ostensibly healthy population. It had not been previously curated by ICSL or reported in the Human Gene Mutation Database (HGMD: prior to June 1st, 2018), and was therefore a candidate for classification through an automated scoring system. Utilizing variant allele frequency, disease prevalence and penetrance estimates, and inheritance mode, an automated score was calculated to assess if this variant is too frequent to cause the disease. Based on the score and internal cut-off values, a variant classified as benign is not then subjected to further curation. The score for this variant resulted in a classification of benign for this disease.